The following is an entry in ClinVar:

ClinVar aggregate classification (germline): Uncertain significance. Review status: criteria provided, multiple submitters, no conflicts (2 of 4 stars). 2 submissions from 2 submitters: Uncertain significance (2). Last evaluated 2023-12-05.

Conditions:
Cardiomyopathy (CMYO). Also called: Cardiomyopathies. Identifiers: Orphanet 167848, MedGen C0878544, MONDO:0004994, HP:0001638. Inheritance: Various modes of inheritance.

Allele frequency attached by ClinVar (database versions not stated): TOPMed below 0.00001.

Submissions (2):

Color Diagnostics, LLC DBA Color Health
Classification: Uncertain significance for Cardiomyopathy. Last evaluated: 2023-12-05. Review status: criteria provided, single submitter. Criteria: ACMG Guidelines, 2015. Collection method: clinical testing. Allele origin: germline.
Comment: Variant of Uncertain Significance due to insufficient evidence: This missense variant replaces glycine with aspartic acid at codon 197 of the RYR2 protein. Computational prediction tools and conservation analyses suggest that this variant may have deleterious impact on the protein function. Computational splicing tools suggest that this variant may not impact RNA splicing. To our knowledge, functional assays have not been performed for this variant nor has this variant been reported in individuals affected with cardiovascular disorders in the literature. This variant is rare in the general population and has been identified in 0/277264 chromosomes by the Genome Aggregation Database (gnomAD). Available evidence is insufficient to determine the role of this variant in disease conclusively.

GeneDx
Classification: Uncertain significance. Last evaluated: 2023-08-02. Review status: criteria provided, single submitter. Criteria: GeneDx Variant Classification Process June 2021. Collection method: clinical testing. Allele origin: germline. Affected: yes.
Comment: Not observed at significant frequency in large population cohorts (gnomAD); In silico analysis supports that this missense variant does not alter protein structure/function; Has not been previously published as pathogenic or benign to our knowledge

NM_001035.3(RYR2):c.590G>A (p.Gly197Asp)

Gene: RYR2 (ryanodine receptor 2; plus strand). Cytogenetic location: 1q43.
Variant type: single nucleotide variant.
Coding change: c.590G>A on transcript NM_001035.3 (MANE Select); coding-DNA position 590, G replaced by A.
Protein change: p.Gly197Asp; replaces glycine 197 with aspartic acid.
Molecular consequence: missense variant.
Genome position (GRCh38, 1-based): chr1:237,387,294, G>A. VCF-style: chr1-237387294-G-A. GRCh37 (hg19) VCF-style: chr1-237550594-G-A.
Other names: c.590G>A (NM_001035.2); short protein forms G197D.
Identifiers: ClinVar variation 922068 (VCV000922068.6), dbSNP rs1289234815, ClinGen allele CA345377204.
Genomic context (GRCh38, chr1:237,387,294, plus strand): 5'-AGCTTACCAGAGCCTGAAGTGATGCCTCCTTTTGCCTCTTGATACAGCACTTGTCTTATG[G>A]CAACGGCAGCTTACACGTGGATGCCGCTTTCCAGCAGACTCTCTGGAGCGTGGCCCCAAT-3'
Protein context (NP_001026.2, residues 187-207): SSERYLHLSY[Gly197Asp]NGSLHVDAAF